The following is an entry in ClinVar:

NM_001007228.2(SPOP):c.508A>G (p.Ile170Val)

Gene: SPOP (speckle type BTB/POZ protein; minus strand). Cytogenetic location: 17q21.33.
Variant type: single nucleotide variant.
Coding change: c.508A>G on transcript NM_001007228.2 (MANE Select); coding-DNA position 508, A replaced by G.
Protein change: p.Ile170Val; replaces isoleucine 170 with valine.
Molecular consequence: missense variant.
Genome position (GRCh38, 1-based): chr17:49,611,430, T>C on the plus strand (A>G on the coding strand, the complement: SPOP is on the minus strand). VCF-style: chr17-49611430-T-C. GRCh37 (hg19) VCF-style: chr17-47688792-T-C.
Other names: c.508A>G, p.Ile170Val (NM_001007226.1, NM_001007227.1, NM_001007229.1 and 5 more transcripts); short protein forms I170V.
Identifiers: ClinVar variation 3253407 (VCV003253407.1), dbSNP rs1260807436.

ClinVar aggregate classification (germline): Uncertain significance (1 of 4 stars; one submission).

Allele frequency attached by ClinVar (database versions not stated): TOPMed below 0.00001.

Submission:

GeneDx
Classification: Uncertain significance. Last evaluated: 2023-12-12. Review status: criteria provided, single submitter. Criteria: GeneDx Variant Classification Process June 2021. Collection method: clinical testing. Allele origin: germline. Affected: yes.
Comment: Not observed at significant frequency in large population cohorts (gnomAD); In silico analysis supports that this missense variant does not alter protein structure/function; Has not been previously published as pathogenic or benign to our knowledge